The following is an entry in ClinVar:

NM_012309.5(SHANK2):c.4749G>A (p.Pro1583=)

Gene: SHANK2 (SH3 and multiple ankyrin repeat domains 2; minus strand). Cytogenetic location: 11q13.3.
Variant type: single nucleotide variant.
Coding change: c.4749G>A on transcript NM_012309.5 (MANE Select); coding-DNA position 4749, G replaced by A.
Protein change: p.Pro1583=; no amino-acid change (proline 1583 retained).
Molecular consequence: synonymous variant.
Genome position (GRCh38, 1-based): chr11:70,485,544, C>T on the plus strand (G>A on the coding strand, the complement: SHANK2 is on the minus strand). VCF-style: chr11-70485544-C-T. GRCh37 (hg19) VCF-style: chr11-70331649-C-T.
Other names: c.3612G>A, p.Pro1204= (NM_001379226.1); c.4869G>A, p.Pro1623= (NM_001441024.1); c.4698G>A, p.Pro1566= (NM_001441025.1, NM_001441026.1, NM_001441027.1 and 8 more transcripts); c.4671G>A, p.Pro1557= (NM_001441035.1, NM_001441036.1, NM_001441037.1); c.4626G>A, p.Pro1542= (NM_001441038.1); c.3582G>A, p.Pro1194= (NM_001441040.1); c.3534G>A, p.Pro1178= (NM_001441041.1); c.2976G>A, p.Pro992= (NM_001441042.1); and 6 more.
Identifiers: ClinVar variation 4821886 (VCV004821886.5).

ClinVar aggregate classification (germline): Likely benign. Review status: criteria provided, multiple submitters, no conflicts (2 of 4 stars). 2 submissions from 2 submitters: Likely benign (2). Last evaluated 2026-04-01.

gnomAD v4.1: 146 of 1,610,428 alleles (0.0091%); highest among the groups gnomAD compares: African/African-American, 0.14%; no homozygotes.

Submissions (2):

CeGaT Center for Human Genetics Tuebingen
Classification: Likely benign. Last evaluated: 2026-04-01. Review status: criteria provided, single submitter. Criteria: CeGaT Center For Human Genetics Tuebingen Variant Classification Criteria Version 2. Collection method: clinical testing. Allele origin: germline. Affected: yes. Observed: 2 variant alleles.
Comment: SHANK2: BP4, BP7, BS1

Blueprint Genetics
Classification: Likely benign. Last evaluated: 2021-03-02. Review status: criteria provided, single submitter. Criteria: ACMG Guidelines, 2015. Collection method: clinical testing. Allele origin: germline.